The following is an entry in ClinVar:

NM_181882.3(PRX):c.382-9_382-6del

Gene: PRX (periaxin; minus strand). Cytogenetic location: 19q13.2.
Variant type: Microsatellite.
Coding change: c.382-9_382-6del on transcript NM_181882.3 (MANE Select); 9 bases into the intron before coding-DNA position 382 through 6 bases into the intron before coding-DNA position 382, 4 bases deleted (TCTC; older notation c.382-9_382-6delTCTC).
Molecular consequence: intron variant. On other transcripts: 3 prime UTR variant (1).
Genome position (GRCh38, 1-based): chr19:40,397,976-40,397,979, GAGA deleted on the plus strand (TCTC on the coding strand, the reverse complement: PRX is on the minus strand); deleting any 4 consecutive bases within chr19:40,397,976-40,397,982 gives the same sequence; the c. name uses the placement nearest the transcript's 3' end. VCF-style (leftmost placement, unchanged base first): chr19-40397975-GGAGA-G. GRCh37 (hg19) VCF-style: chr19-40903882-GGAGA-G.
Other names: c.*576TC[1] (NM_020956.2); c.667-9_667-6del (NM_001411127.1).
Identifiers: ClinVar variation 3349662 (VCV003349662.1).

ClinVar aggregate classification (germline): Likely benign (0 of 4 stars; one submission).

Conditions:
PRX-related disorder. Also called: PRX-related condition; PRX-Related Disorders.

Submission:

PreventionGenetics, part of Exact Sciences
Classification: Likely benign for PRX-related condition. Last evaluated: 2024-03-14. Review status: no assertion criteria provided. Collection method: clinical testing. Allele origin: germline.
Comment: This variant is classified as likely benign based on ACMG/AMP sequence variant interpretation guidelines (Richards et al. 2015 PMID: 25741868, with internal and published modifications).